The following is an entry in ClinVar:

ClinVar aggregate classification (germline): Uncertain significance (1 of 4 stars; one submission).

Submission:

Labcorp Genetics (formerly Invitae), Labcorp
Classification: Uncertain significance. Last evaluated: 2023-10-05. Review status: criteria provided, single submitter. Criteria: Invitae Variant Classification Sherloc (09022015). Collection method: clinical testing. Allele origin: germline.
Comment: This sequence change replaces alanine, which is neutral and non-polar, with leucine, which is neutral and non-polar, at codon 183 of the IRF2BP2 protein (p.Ala183Leu). Information on the frequency of this variant in the gnomAD database is not available, as this variant may be reported differently in the database. This variant has not been reported in the literature in individuals affected with IRF2BP2-related conditions. An algorithm developed to predict the effect of missense changes on protein structure and function (PolyPhen-2) suggests that this variant is likely to be disruptive. In summary, the available evidence is currently insufficient to determine the role of this variant in disease. Therefore, it has been classified as a Variant of Uncertain Significance.

NM_182972.3(IRF2BP2):c.547_548delinsTT (p.Ala183Leu)

Gene: IRF2BP2 (interferon regulatory factor 2 binding protein 2; minus strand). Cytogenetic location: 1q42.3.
Variant type: Indel.
Coding change: c.547_548delinsTT on transcript NM_182972.3 (MANE Select); coding-DNA positions 547 to 548, GC replaced by TT.
Protein change: p.Ala183Leu; replaces alanine 183 with leucine.
Molecular consequence: missense variant.
Genome position (GRCh38, 1-based): chr1:234,608,947-234,608,948, GC replaced by AA on the plus strand (GC replaced by TT on the coding strand, the reverse complement: IRF2BP2 is on the minus strand). VCF-style: chr1-234608947-GC-AA. GRCh37 (hg19) VCF-style: chr1-234744693-GC-AA.
Other names: c.547_548delinsTT, p.Ala183Leu (NM_001077397.1); short protein forms A183L.
Identifiers: ClinVar variation 2749994 (VCV002749994.3), dbSNP rs2528521412, ClinGen allele CA2697554978.